The following is an entry in ClinVar:

NM_005802.5(TOPORS):c.1093A>G (p.Met365Val)

Gene: TOPORS (TOP1 binding arginine/serine rich protein, E3 ubiquitin ligase; minus strand). Cytogenetic location: 9p21.1.
Variant type: single nucleotide variant.
Coding change: c.1093A>G on transcript NM_005802.5 (MANE Select); coding-DNA position 1093, A replaced by G.
Protein change: p.Met365Val; replaces methionine 365 with valine.
Molecular consequence: missense variant.
Genome position (GRCh38, 1-based): chr9:32,543,432, T>C on the plus strand (A>G on the coding strand, the complement: TOPORS is on the minus strand). VCF-style: chr9-32543432-T-C. GRCh37 (hg19) VCF-style: chr9-32543430-T-C.
Other names: c.898A>G, p.Met300Val (NM_001195622.2); short protein forms M300V, M365V.
Identifiers: ClinVar variation 2123624 (VCV002123624.4), dbSNP rs1273024400, ClinGen allele CA373171192.

ClinVar aggregate classification (germline): Uncertain significance (1 of 4 stars; one submission).

Allele frequency attached by ClinVar (database versions not stated): TOPMed below 0.00001; gnomAD exomes 0.00001.

Submission:

Labcorp Genetics (formerly Invitae), Labcorp
Classification: Uncertain significance. Last evaluated: 2022-04-09. Review status: criteria provided, single submitter. Criteria: Invitae Variant Classification Sherloc (09022015). Collection method: clinical testing. Allele origin: germline.
Comment: This variant is present in population databases (no rsID available, gnomAD 0.0009%). This sequence change replaces methionine, which is neutral and non-polar, with valine, which is neutral and non-polar, at codon 365 of the TOPORS protein (p.Met365Val). This variant has not been reported in the literature in individuals affected with TOPORS-related conditions. In summary, the available evidence is currently insufficient to determine the role of this variant in disease. Therefore, it has been classified as a Variant of Uncertain Significance. Algorithms developed to predict the effect of missense changes on protein structure and function (SIFT, PolyPhen-2, Align-GVGD) all suggest that this variant is likely to be tolerated.